The following is an entry in ClinVar:

ClinVar aggregate classification (germline): Uncertain significance (1 of 4 stars; one submission).

Conditions:
Nephrolithiasis/nephrocalcinosis. Identifiers: MedGen CN580796.

Allele frequency attached by ClinVar (database versions not stated): gnomAD exomes 0.00001.
gnomAD v4.1: 3 of 1,614,138 alleles (0.00019%); highest among the groups gnomAD compares: South Asian, 0.0033%; no homozygotes.

Submission:

Ambry Genetics
Classification: Uncertain significance for Nephrolithiasis/nephrocalcinosis. Last evaluated: 2023-05-27. Review status: criteria provided, single submitter. Criteria: Ambry Variant Classification Scheme 2023. Collection method: clinical testing. Allele origin: germline.
Comment: The p.K28N variant (also known as c.84G>C), located in coding exon 1 of the CASR gene, results from a G to C substitution at nucleotide position 84. The lysine at codon 28 is replaced by asparagine, an amino acid with similar properties. This amino acid position is conserved. In addition, the in silico prediction for this alteration is inconclusive. Since supporting evidence is limited at this time, the clinical significance of this alteration remains unclear.

NM_000388.4(CASR):c.84G>C (p.Lys28Asn)

Gene: CASR (calcium sensing receptor; plus strand). Cytogenetic location: 3q21.1.
Variant type: single nucleotide variant.
Coding change: c.84G>C on transcript NM_000388.4 (MANE Select); coding-DNA position 84, G replaced by C.
Protein change: p.Lys28Asn; replaces lysine 28 with asparagine.
Molecular consequence: missense variant.
Genome position (GRCh38, 1-based): chr3:122,254,273, G>C. VCF-style: chr3-122254273-G-C. GRCh37 (hg19) VCF-style: chr3-121973120-G-C.
Other names: c.84G>C, p.Lys28Asn (NM_001178065.2); short protein forms K28N.
Identifiers: ClinVar variation 3231591 (VCV003231591.1), dbSNP rs1290990935, ClinGen allele CA354362096.